The following is an entry in ClinVar:

ClinVar aggregate classification (germline): Uncertain significance (1 of 4 stars; one submission).

Conditions:
Hereditary cancer-predisposing syndrome. Also called: Neoplastic Syndromes, Hereditary; Tumor predisposition; Hereditary neoplastic syndrome; Hereditary Cancer Syndrome. Identifiers: Orphanet 140162, MedGen C0027672, MeSH D009386, MONDO:0015356.

Submission:

Ambry Genetics
Classification: Uncertain significance for Hereditary cancer-predisposing syndrome. Last evaluated: 2026-07-27. Review status: criteria provided, single submitter. Criteria: Ambry Variant Classification Scheme 2023. Collection method: clinical testing. Allele origin: germline.
Comment: The p.I169M variant (also known as c.507C>G), located in coding exon 5 of the BMPR1A gene, results from a C to G substitution at nucleotide position 507. The isoleucine at codon 169 is replaced by methionine, an amino acid with highly similar properties. This amino acid position is conserved. In addition, this alteration is predicted to be tolerated by in silico analysis. Based on the available evidence, the clinical significance of this variant remains unclear.

NM_004329.3(BMPR1A):c.507C>G (p.Ile169Met)

Gene: BMPR1A (bone morphogenetic protein receptor type 1A; plus strand). Cytogenetic location: 10q23.2.
Variant type: single nucleotide variant.
Coding change: c.507C>G on transcript NM_004329.3 (MANE Select); coding-DNA position 507, C replaced by G.
Protein change: p.Ile169Met; replaces isoleucine 169 with methionine.
Molecular consequence: missense variant. On other transcripts: non-coding transcript variant (3), intron variant (1).
Genome position (GRCh38, 1-based): chr10:86,900,103, C>G. VCF-style: chr10-86900103-C-G. GRCh37 (hg19) VCF-style: chr10-88659860-C-G.
Other names: c.507C>G, p.Ile169Met (NM_001406575.1, NM_001406576.1, NM_001406577.1 and 22 more transcripts); c.423C>G, p.Ile141Met (NM_001406584.1, NM_001406585.1, NM_001406586.1 and 2 more transcripts); c.333+7874C>G (NM_001406589.1); short protein forms I141M, I169M.
Identifiers: ClinVar variation 5033036 (VCV005033036.1).